The following is an entry in ClinVar:

ClinVar aggregate classification (germline): Uncertain significance (1 of 4 stars; one submission).

Conditions:
Familial hypobetalipoproteinemia 1. Also called: APOB-Related Familial Hypobetalipoproteinemia; Hypobetalipoproteinemia, normotriglyceridemic; Acanthocytosis with hypobetalipoproteinemia. Identifiers: MedGen C4551990, MONDO:0014252, OMIM 615558.
Hypercholesterolemia, autosomal dominant, type B (FHCL2). Also called: Familial Hypercholesterolemia Type B; APOLIPOPROTEIN B-100, FAMILIAL DEFECTIVE; APOLIPOPROTEIN B-100, FAMILIAL LIGAND-DEFECTIVE; HYPERCHOLESTEROLEMIA, FAMILIAL, DUE TO LIGAND-DEFECTIVE APOLIPOPROTEIN B; Hyperlipoproteinemia Type IIb; Familial hypercholesterolemia 2. Identifiers: MedGen C1704417, MONDO:0007751, OMIM 144010.

Submission:

Labcorp Genetics (formerly Invitae), Labcorp
Classification: Uncertain significance for Familial hypobetalipoproteinemia 1; Hypercholesterolemia, autosomal dominant, type B. Last evaluated: 2024-12-06. Review status: criteria provided, single submitter. Criteria: Invitae Variant Classification Sherloc (09022015). Collection method: clinical testing. Allele origin: germline.
Comment: This sequence change replaces proline, which is neutral and non-polar, with leucine, which is neutral and non-polar, at codon 2023 of the APOB protein (p.Pro2023Leu). This variant is not present in population databases (gnomAD no frequency). This variant has not been reported in the literature in individuals affected with APOB-related conditions. Invitae Evidence Modeling of protein sequence and biophysical properties (such as structural, functional, and spatial information, amino acid conservation, physicochemical variation, residue mobility, and thermodynamic stability) indicates that this missense variant is not expected to disrupt APOB protein function with a negative predictive value of 95%. In summary, the available evidence is currently insufficient to determine the role of this variant in disease. Therefore, it has been classified as a Variant of Uncertain Significance.

NM_000384.3(APOB):c.6068C>T (p.Pro2023Leu)

Gene: APOB (apolipoprotein B; minus strand). Cytogenetic location: 2p24.1.
Variant type: single nucleotide variant.
Coding change: c.6068C>T on transcript NM_000384.3 (MANE Select); coding-DNA position 6068, C replaced by T.
Protein change: p.Pro2023Leu; replaces proline 2023 with leucine.
Molecular consequence: missense variant.
Genome position (GRCh38, 1-based): chr2:21,010,800, G>A on the plus strand (C>T on the coding strand, the complement: APOB is on the minus strand). VCF-style: chr2-21010800-G-A. GRCh37 (hg19) VCF-style: chr2-21233672-G-A.
Other names: short protein forms P2023L.
Identifiers: ClinVar variation 3752593 (VCV003752593.2).